The following is an entry in ClinVar:

ClinVar aggregate classification (germline): Likely pathogenic (1 of 4 stars; one submission).

Conditions:
Branchiooculofacial syndrome (BOFS). Also called: BOF SYNDROME; HEMANGIOMATOUS BRANCHIAL CLEFTS-LIP PSEUDOCLEFT SYNDROME; LIP PSEUDOCLEFT-HEMANGIOMATOUS BRANCHIAL CYST SYNDROME; Branchio-Oculo-Facial Syndrome. Identifiers: Orphanet 1297, MedGen C0376524, MeSH D019280, MONDO:0007235, OMIM 113620.

Submission:

Medical Genetics, Marmara University School Of Medicine
Classification: Likely pathogenic for Branchiooculofacial syndrome. Last evaluated: 2026-07-09. Review status: criteria provided, single submitter. Criteria: Variant Classification Assertion Criteria, v1. Collection method: research. Allele origin: germline, paternal. Inheritance: Autosomal dominant inheritance. Affected: yes. Observed: 5 variant alleles, 5 heterozygotes. Clinical features observed: Ptosis, Prominent nasal tip, Hypoplastic superior helix, Cataract, Epiphora, Widely spaced nipples, Premature graying of hair, Crossed fused renal ectopia, Renal cyst, Heterochromia iridis, Sparse frontotemporal hair, Multicystic kidney dysplasia, and 4 more. Segregation with disease observed.
Comment: Missense variant NM_001372066.1:c.1028C>T p.(Thr343Ile) in TFAP2A. Classified Likely pathogenic per ACMG/AMP as modified by ClinGen. Criteria applied: PM1_Supporting (located within the helix-span-helix dimerization domain); PM2_Supporting (absent from gnomAD v4.1); PP1_Moderate (co-segregation with a branchio-oculo-facial-spectrum; four informative meioses without discordance among five carriers, scored against the BOFS phenotype); PP3_Moderate (multiple structure-aware computational predictors support a deleterious effect on the dimer interface; REVEL 0.926, AlphaMissense 0.994, CADD 28.5). Total 6 points under the ClinGen Bayesian point system.

Literature cited by the submitters: PubMed 18423521.

NM_001372066.1(TFAP2A):c.1028C>T (p.Thr343Ile)

Gene: TFAP2A (transcription factor AP-2 alpha; minus strand). Cytogenetic location: 6p24.3.
Variant type: single nucleotide variant.
Coding change: c.1028C>T on transcript NM_001372066.1 (MANE Select); coding-DNA position 1028, C replaced by T.
Protein change: p.Thr343Ile; replaces threonine 343 with isoleucine.
Molecular consequence: missense variant.
Genome position (GRCh38, 1-based): chr6:10,400,451, G>A on the plus strand (C>T on the coding strand, the complement: TFAP2A is on the minus strand). VCF-style: chr6-10400451-G-A. GRCh37 (hg19) VCF-style: chr6-10400684-G-A.
Other names: c.1004C>T, p.Thr335Ile (NM_001032280.3); c.1010C>T, p.Thr337Ile (NM_001042425.3); short protein forms T335I, T337I, T343I.
Identifiers: ClinVar variation 4886919 (VCV004886919.1).